The following is an entry in ClinVar:

NM_032634.4(PIGO):c.655+1G>A

Gene: PIGO (phosphatidylinositol glycan anchor biosynthesis class O; minus strand). Cytogenetic location: 9p13.3.
Variant type: single nucleotide variant.
Coding change: c.655+1G>A on transcript NM_032634.4 (MANE Select); the canonical splice donor site of the intron after coding-DNA position 655, G replaced by A.
Molecular consequence: splice donor variant.
Genome position (GRCh38, 1-based): chr9:35,094,215, C>T on the plus strand (G>A on the coding strand, the complement: PIGO is on the minus strand). VCF-style: chr9-35094215-C-T. GRCh37 (hg19) VCF-style: chr9-35094212-C-T.
Other names: c.655+1G>A (NM_152850.4, NM_001201484.2).
Identifiers: ClinVar variation 2152181 (VCV002152181.4), dbSNP rs1244103739, ClinGen allele CA373323808.

ClinVar aggregate classification (germline): Likely pathogenic (1 of 4 stars; one submission).

Conditions:
Hyperphosphatasia with impaired intellectual development syndrome 2. Also called: Hyperphosphatasia with intellectual disability syndrome 2; GLYCOSYLPHOSPHATIDYLINOSITOL BIOSYNTHESIS DEFECT 6. Identifiers: Orphanet 247262, MedGen C3553637, MONDO:0013882, OMIM 614749.

Allele frequency attached by ClinVar (database versions not stated): gnomAD exomes below 0.00001; TOPMed 0.00002; gnomAD 0.00003.
gnomAD v4.1: 6 of 1,589,862 alleles (0.00038%); highest among the groups gnomAD compares: Admixed American, 0.012%; no homozygotes.

Submission:

Labcorp Genetics (formerly Invitae), Labcorp
Classification: Likely pathogenic for Hyperphosphatasia with impaired intellectual development syndrome 2. Last evaluated: 2022-06-14. Review status: criteria provided, single submitter. Criteria: Invitae Variant Classification Sherloc (09022015). Collection method: clinical testing. Allele origin: germline.
Comment: In summary, the currently available evidence indicates that the variant is pathogenic, but additional data are needed to prove that conclusively. Therefore, this variant has been classified as Likely Pathogenic. This sequence change affects a donor splice site in intron 3 of the PIGO gene. It is expected to disrupt RNA splicing. Variants that disrupt the donor or acceptor splice site typically lead to a loss of protein function (PMID: 16199547), and loss-of-function variants in PIGO are known to be pathogenic (PMID: 22683086, 24417746). This variant is present in population databases (no rsID available, gnomAD 0.004%). This variant has not been reported in the literature in individuals affected with PIGO-related conditions. Algorithms developed to predict the effect of sequence changes on RNA splicing suggest that this variant may disrupt the consensus splice site.

Literature cited by the submitters: PubMed 16199547; PubMed 22683086; PubMed 24417746.